The following is an entry in ClinVar:

NM_145046.5(CALR3):c.217C>G (p.Arg73Gly)

Gene: CALR3 (calreticulin 3; minus strand). Cytogenetic location: 19p13.11.
Variant type: single nucleotide variant.
Coding change: c.217C>G on transcript NM_145046.5 (MANE Select); coding-DNA position 217, C replaced by G.
Protein change: p.Arg73Gly; replaces arginine 73 with glycine.
Molecular consequence: missense variant.
Genome position (GRCh38, 1-based): chr19:16,490,547, G>C on the plus strand (C>G on the coding strand, the complement: CALR3 is on the minus strand). VCF-style: chr19-16490547-G-C. GRCh37 (hg19) VCF-style: chr19-16601358-G-C.
Other names: short protein forms R73G.
Identifiers: ClinVar variation 619268 (VCV000619268.9), dbSNP rs199561391, ClinGen allele CA9278466.

ClinVar aggregate classification (germline): Conflicting classifications of pathogenicity. Review status: criteria provided, conflicting classifications (1 of 4 stars). 3 submissions from 3 submitters: Uncertain significance (2); Likely benign (1). Last evaluated 2026-04-30.

Conditions:
Hypertrophic cardiomyopathy 19. Also called: Familial hypertrophic cardiomyopathy 19. Identifiers: MedGen CN077603, MONDO:0013476.
Hypertrophic cardiomyopathy. Also called: HYPERTROPHIC MYOCARDIOPATHY. Identifiers: Orphanet 217569, MedGen C0007194, MeSH D002312, MONDO:0005045, HP:0001639.

Allele frequency attached by ClinVar (database versions not stated): TOPMed 0.00004; gnomAD 0.00005; 1000 Genomes Project 30x 0.00016; 1000 Genomes Project 0.00020.
gnomAD v4.1: 86 of 1,613,950 alleles (0.0053%); highest among the groups gnomAD compares: Admixed American, 0.012%; no homozygotes.

Submissions (3):

Women's Health and Genetics/Laboratory Corporation of America, LabCorp
Classification: Likely benign. Last evaluated: 2026-04-30. Review status: criteria provided, single submitter. Criteria: LabCorp Variant Classification Summary - May 2015. Collection method: clinical testing. Allele origin: germline.
Comment: Variant summary: CALR3 c.217C>G (p.Arg73Gly) results in a non-conservative amino acid change in the encoded protein sequence. Algorithms developed to predict the effect of missense changes on protein structure and function are either unavailable or do not agree on the potential impact of this missense change. The variant allele was found at a frequency of 4.4e-05 in 251488 control chromosomes (gnomAD). The observed variant frequency exceeds the estimated maximal expected allele frequency for disease-causing variants in CALR3. To our knowledge, no experimental evidence demonstrating its impact on protein function has been reported. ClinVar contains an entry for this variant (Variation ID: 619268). Based on the evidence outlined above, the variant was classified as likely benign.

Labcorp Genetics (formerly Invitae), Labcorp
Classification: Uncertain significance for Hypertrophic cardiomyopathy 19. Last evaluated: 2023-07-16. Review status: criteria provided, single submitter. Criteria: Invitae Variant Classification Sherloc (09022015). Collection method: clinical testing. Allele origin: germline.
Comment: In summary, the available evidence is currently insufficient to determine the role of this variant in disease. Therefore, it has been classified as a Variant of Uncertain Significance. Advanced modeling of protein sequence and biophysical properties (such as structural, functional, and spatial information, amino acid conservation, physicochemical variation, residue mobility, and thermodynamic stability) performed at Invitae indicates that this missense variant is not expected to disrupt CALR3 protein function. ClinVar contains an entry for this variant (Variation ID: 619268). This missense change has been observed in individual(s) with hypertrophic cardiomyopathy (PMID: 31513939). This variant is present in population databases (rs199561391, gnomAD 0.01%). This sequence change replaces arginine, which is basic and polar, with glycine, which is neutral and non-polar, at codon 73 of the CALR3 protein (p.Arg73Gly).

Center for Human Genetics, University of Leuven
Classification: Uncertain significance for Hypertrophic cardiomyopathy. Last evaluated: 2018-10-31. Review status: criteria provided, single submitter. Criteria: ACMG Guidelines, 2015. Collection method: clinical testing. Allele origin: germline. Affected: yes.

Literature cited by the submitters: PubMed 31513939 (cited by Labcorp Genetics (formerly Invitae), Labcorp).